The following is an entry in ClinVar:

ClinVar aggregate classification (germline): Likely benign. Review status: criteria provided, multiple submitters, no conflicts (2 of 4 stars). 2 submissions from 2 submitters: Likely benign (2). Last evaluated 2026-09-25.

Conditions:
CDH23-related disorder. Also called: CDH23-related condition; CDH23-related disorders.

Allele frequency attached by ClinVar (database versions not stated): gnomAD exomes below 0.00001.
gnomAD v4.1: 1 of 1,613,596 alleles (0.000062%); highest among the groups gnomAD compares: Non-Finnish European, 0.000085%; no homozygotes.

Submissions (2):

PreventionGenetics, part of Exact Sciences
Classification: Likely benign for CDH23-related condition. Last evaluated: 2026-09-25. Review status: criteria provided, single submitter. Criteria: ACMG Guidelines, 2015. Collection method: clinical testing. Allele origin: germline.
Comment: This variant is classified as likely benign based on ACMG/AMP sequence variant interpretation guidelines (Richards et al. 2015 PMID: 25741868, with internal and published modifications).

Labcorp Genetics (formerly Invitae), Labcorp
Classification: Likely benign. Last evaluated: 2022-06-14. Review status: criteria provided, single submitter. Criteria: Invitae Variant Classification Sherloc (09022015). Collection method: clinical testing. Allele origin: germline.

NM_022124.6(CDH23):c.2358C>T (p.Asn786=)

Gene: CDH23 (cadherin related 23; plus strand). Cytogenetic location: 10q22.1.
Variant type: single nucleotide variant.
Coding change: c.2358C>T on transcript NM_022124.6 (MANE Select); coding-DNA position 2358, C replaced by T.
Protein change: p.Asn786=; no amino-acid change (asparagine 786 retained).
Molecular consequence: synonymous variant.
Genome position (GRCh38, 1-based): chr10:71,695,486, C>T. VCF-style: chr10-71695486-C-T. GRCh37 (hg19) VCF-style: chr10-73455243-C-T.
Other names: c.2358C>T, p.Asn786= (NM_001171930.2, NM_001171931.2); c.2358C>T (NM_022124.5).
Identifiers: ClinVar variation 2133359 (VCV002133359.5), dbSNP rs1390323677, ClinGen allele CA470060536.